The following is an entry in ClinVar:

ClinVar aggregate classification (germline): Uncertain significance (1 of 4 stars; one submission).

Conditions:
Dilated cardiomyopathy 1KK (CMD1KK). Identifiers: Orphanet 154, Orphanet 75249, MedGen C3714995, MONDO:0014100, OMIM 615248.

Submission:

Labcorp Genetics (formerly Invitae), Labcorp
Classification: Uncertain significance for Dilated cardiomyopathy 1KK. Last evaluated: 2020-08-06. Review status: criteria provided, single submitter. Criteria: Invitae Variant Classification Sherloc (09022015). Collection method: clinical testing. Allele origin: germline.
Comment: In summary, the available evidence is currently insufficient to determine the role of this variant in disease. Therefore, it has been classified as a Variant of Uncertain Significance. Algorithms developed to predict the effect of missense changes on protein structure and function output the following: SIFT: "Tolerated"; PolyPhen-2: "Benign"; Align-GVGD: "Class C0". The threonine amino acid residue is found in multiple mammalian species, suggesting that this missense change does not adversely affect protein function. These predictions have not been confirmed by published functional studies and their clinical significance is uncertain. This variant has not been reported in the literature in individuals with MYPN-related conditions. This variant is not present in population databases (ExAC no frequency). This sequence change replaces alanine with threonine at codon 217 of the MYPN protein (p.Ala217Thr). The alanine residue is moderately conserved and there is a small physicochemical difference between alanine and threonine.

NM_032578.4(MYPN):c.649G>A (p.Ala217Thr)

Gene: MYPN (myopalladin; plus strand). Cytogenetic location: 10q21.3.
Variant type: single nucleotide variant.
Coding change: c.649G>A on transcript NM_032578.4 (MANE Select); coding-DNA position 649, G replaced by A.
Protein change: p.Ala217Thr; replaces alanine 217 with threonine.
Molecular consequence: missense variant. On other transcripts: 5 prime UTR variant (1), non-coding transcript variant (1).
Genome position (GRCh38, 1-based): chr10:68,122,087, G>A. VCF-style: chr10-68122087-G-A. GRCh37 (hg19) VCF-style: chr10-69881844-G-A.
Other names: c.649G>A, p.Ala217Thr (NM_001256267.2); c.-474G>A (NM_001256268.2); short protein forms A217T.
Identifiers: ClinVar variation 1055562 (VCV001055562.9), dbSNP rs2133995746, ClinGen allele CA377104819.